The following is an entry in ClinVar:

NM_022089.4(ATP13A2):c.710T>C (p.Leu237Pro)

Gene: ATP13A2 (ATPase cation transporting 13A2; minus strand). Cytogenetic location: 1p36.13.
Variant type: single nucleotide variant.
Coding change: c.710T>C on transcript NM_022089.4 (MANE Select); coding-DNA position 710, T replaced by C.
Protein change: p.Leu237Pro; replaces leucine 237 with proline.
Molecular consequence: missense variant.
Genome position (GRCh38, 1-based): chr1:17,000,530, A>G on the plus strand (T>C on the coding strand, the complement: ATP13A2 is on the minus strand). VCF-style: chr1-17000530-A-G. GRCh37 (hg19) VCF-style: chr1-17327025-A-G.
Other names: c.695T>C, p.Leu232Pro (NM_001141973.3, NM_001141974.3); short protein forms L232P, L237P.
Identifiers: ClinVar variation 2081842 (VCV002081842.4), dbSNP rs1202429106, ClinGen allele CA338258836.

ClinVar aggregate classification (germline): Uncertain significance (1 of 4 stars; one submission).

Conditions:
Kufor-Rakeb syndrome (KRS). Also called: PARKINSON DISEASE 9, AUTOSOMAL RECESSIVE, JUVENILE-ONSET. Identifiers: Orphanet 306674, Orphanet 314632, MedGen C1847640, MONDO:0011706, OMIM 606693.
Autosomal recessive spastic paraplegia type 78. Identifiers: Orphanet 513436, MedGen C5567893, MONDO:0014975, OMIM 617225.

Allele frequency attached by ClinVar (database versions not stated): gnomAD exomes below 0.00001.
gnomAD v4.1: 1 of 1,613,628 alleles (0.000062%); highest among the groups gnomAD compares: Non-Finnish European, 0.000085%; no homozygotes.

Submission:

Labcorp Genetics (formerly Invitae), Labcorp
Classification: Uncertain significance for Kufor-Rakeb syndrome; Autosomal recessive spastic paraplegia type 78. Last evaluated: 2022-06-19. Review status: criteria provided, single submitter. Criteria: Invitae Variant Classification Sherloc (09022015). Collection method: clinical testing. Allele origin: germline.
Comment: In summary, the available evidence is currently insufficient to determine the role of this variant in disease. Therefore, it has been classified as a Variant of Uncertain Significance. Algorithms developed to predict the effect of sequence changes on RNA splicing suggest that this variant may disrupt the consensus splice site. Algorithms developed to predict the effect of missense changes on protein structure and function (SIFT, PolyPhen-2, Align-GVGD) all suggest that this variant is likely to be disruptive. This variant has not been reported in the literature in individuals affected with ATP13A2-related conditions. This variant is present in population databases (no rsID available, gnomAD 0.006%). This sequence change replaces leucine, which is neutral and non-polar, with proline, which is neutral and non-polar, at codon 237 of the ATP13A2 protein (p.Leu237Pro).